The following is an entry in ClinVar:

ClinVar aggregate classification (germline): Uncertain significance. Review status: criteria provided, multiple submitters, no conflicts (2 of 4 stars). 2 submissions from 2 submitters: Uncertain significance (2). Last evaluated 2025-02-28.

Conditions:
Hereditary cancer-predisposing syndrome. Also called: Hereditary Cancer Syndrome; Tumor predisposition; Hereditary neoplastic syndrome; Neoplastic Syndromes, Hereditary. Identifiers: Orphanet 140162, MedGen C0027672, MeSH D009386, MONDO:0015356.

Submissions (2):

Ambry Genetics
Classification: Uncertain significance for Hereditary cancer-predisposing syndrome. Last evaluated: 2025-02-28. Review status: criteria provided, single submitter. Criteria: Ambry Variant Classification Scheme 2023. Collection method: clinical testing. Allele origin: germline.
Comment: The p.D368G variant (also known as c.1103A>G), located in coding exon 11 of the POLE gene, results from an A to G substitution at nucleotide position 1103. The aspartic acid at codon 368 is replaced by glycine, an amino acid with similar properties. This amino acid position is conserved. In addition, this alteration is predicted to be deleterious by in silico analysis. Based on the available evidence, the clinical significance of this variant remains unclear.

Labcorp Genetics (formerly Invitae), Labcorp
Classification: Uncertain significance. Last evaluated: 2022-01-06. Review status: criteria provided, single submitter. Criteria: Invitae Variant Classification Sherloc (09022015). Collection method: clinical testing. Allele origin: germline.
Comment: This variant has not been reported in the literature in individuals affected with POLE-related conditions. This variant is not present in population databases (gnomAD no frequency). This sequence change replaces aspartic acid, which is acidic and polar, with glycine, which is neutral and non-polar, at codon 368 of the POLE protein (p.Asp368Gly). Algorithms developed to predict the effect of missense changes on protein structure and function are either unavailable or do not agree on the potential impact of this missense change (SIFT: "Deleterious"; PolyPhen-2: "Probably Damaging"; Align-GVGD: "Class C0"). In summary, the available evidence is currently insufficient to determine the role of this variant in disease. Therefore, it has been classified as a Variant of Uncertain Significance.

NM_006231.4(POLE):c.1103A>G (p.Asp368Gly)

Gene: POLE (DNA polymerase epsilon, catalytic subunit; minus strand). Cytogenetic location: 12q24.33.
Variant type: single nucleotide variant.
Coding change: c.1103A>G on transcript NM_006231.4 (MANE Select); coding-DNA position 1103, A replaced by G.
Protein change: p.Asp368Gly; replaces aspartic acid 368 with glycine.
Molecular consequence: missense variant.
Genome position (GRCh38, 1-based): chr12:132,675,738, T>C on the plus strand (A>G on the coding strand, the complement: POLE is on the minus strand). VCF-style: chr12-132675738-T-C. GRCh37 (hg19) VCF-style: chr12-133252324-T-C.
Other names: c.1103A>G (NM_006231.2); short protein forms D368G.
Identifiers: ClinVar variation 2076207 (VCV002076207.5), dbSNP rs2136010965, ClinGen allele CA387361317.
Genomic context (GRCh38, chr12:132,675,738, plus strand): 5'-GCAACGCCCTCCCTCTCAAATGCTGCCCAGTTACTCATAGAGAAGACACAGACTCACCAG[T>C]CAAAAAAGTCCCCGTTGTAGGTGACCATGATGGTGGGTTTGGTCTCCTGGACGTGTTCAA-3'
Protein context (NP_006222.2, residues 358-378): IMVTYNGDFF[Asp368Gly]WPFVEARAAV